The following is an entry in ClinVar:

ClinVar aggregate classification (germline): Uncertain significance. Review status: criteria provided, multiple submitters, no conflicts (2 of 4 stars). 2 submissions from 2 submitters: Uncertain significance (2). Last evaluated 2024-02-06.

Conditions:
Progressive myoclonic epilepsy type 5. Identifiers: Orphanet 402082, MedGen C5190799.

Allele frequency attached by ClinVar (database versions not stated): TOPMed 0.00001.
gnomAD v4.1: 2 of 1,613,290 alleles (0.00012%); highest among the groups gnomAD compares: Admixed American, 0.0033%; no homozygotes.

Submissions (2):

Labcorp Genetics (formerly Invitae), Labcorp
Classification: Uncertain significance for Progressive myoclonic epilepsy type 5. Last evaluated: 2024-02-06. Review status: criteria provided, single submitter. Criteria: Invitae Variant Classification Sherloc (09022015). Collection method: clinical testing. Allele origin: germline.
Comment: This sequence change replaces arginine, which is basic and polar, with proline, which is neutral and non-polar, at codon 670 of the PRICKLE2 protein (p.Arg670Pro). This variant is present in population databases (no rsID available, gnomAD 0.003%). This variant has not been reported in the literature in individuals affected with PRICKLE2-related conditions. ClinVar contains an entry for this variant (Variation ID: 946147). Advanced modeling of protein sequence and biophysical properties (such as structural, functional, and spatial information, amino acid conservation, physicochemical variation, residue mobility, and thermodynamic stability) performed at Invitae indicates that this missense variant is not expected to disrupt PRICKLE2 protein function with a negative predictive value of 80%. In summary, the available evidence is currently insufficient to determine the role of this variant in disease. Therefore, it has been classified as a Variant of Uncertain Significance.

Ambry Genetics
Classification: Uncertain significance. Last evaluated: 2022-01-04. Review status: criteria provided, single submitter. Criteria: Ambry Variant Classification Scheme 2023. Collection method: clinical testing. Allele origin: germline.

NM_198859.4(PRICKLE2):c.2009G>C (p.Arg670Pro)

Genes: PRICKLE2 (prickle planar cell polarity protein 2; minus strand), PRICKLE2-AS1 (PRICKLE2 antisense RNA 1; plus strand). Cytogenetic location: 3p14.1.
Variant type: single nucleotide variant.
Coding change: c.2009G>C on transcript NM_198859.4 (MANE Select); coding-DNA position 2009, G replaced by C.
Protein change: p.Arg670Pro; replaces arginine 670 with proline.
Molecular consequence: missense variant. On other transcripts: non-coding transcript variant (1).
Genome position (GRCh38, 1-based): chr3:64,099,577, C>G on the plus strand (G>C on the coding strand, the complement: PRICKLE2 is on the minus strand). VCF-style: chr3-64099577-C-G. GRCh37 (hg19) VCF-style: chr3-64085253-C-G.
Other names: c.2009G>C, p.Arg670Pro (NM_001370528.1); short protein forms R670P.
Identifiers: ClinVar variation 946147 (VCV000946147.8), dbSNP rs747542060, ClinGen allele CA75716142.
Genomic context (GRCh38, chr3:64,099,577, plus strand): 5'-GAACGCCTGGACCTGTGAGGTCGGAAACGGCGGTTGTCGTCGCGTGAAGTAGCTCTTCTC[C>G]GGGTGCGTTCACTCATGGGCTGGATCCTCACGCCCTCCTGCCCTGGCAGCTTGCTGCCCG-3'
Protein context (NP_942559.1, residues 660-680): VRIQPMSERT[Arg670Pro]RRATSRDDNR